The following is an entry in ClinVar:

ClinVar aggregate classification (germline): Benign/Likely benign. Review status: criteria provided, multiple submitters, no conflicts (2 of 4 stars). 8 submissions from 8 submitters: Benign (2); Likely benign (6). Last evaluated 2025-11-18.

Conditions:
Intrauterine growth retardation, metaphyseal dysplasia, adrenal hypoplasia congenita, genital anomalies, and immunodeficiency. Also called: IMAGEI SYNDROME. Identifiers: MedGen C5193036, MONDO:0032684, OMIM 618336.
Facial dysmorphism-immunodeficiency-livedo-short stature syndrome. Also called: Facial dysmorphism, immunodeficiency, livedo, and short stature; FILS syndrome. Identifiers: Orphanet 352712, MedGen C3554576, MONDO:0014058, OMIM 615139.
Colorectal cancer, susceptibility to, 12 (CRCS12). Also called: COLORECTAL CANCER, SUSCEPTIBILITY TO, ON CHROMOSOME 12q24. Identifiers: Orphanet 220460, MedGen C3554460, MONDO:0014038, OMIM 615083.
Hereditary cancer-predisposing syndrome. Also called: Hereditary Cancer Syndrome; Hereditary neoplastic syndrome; Neoplastic Syndromes, Hereditary; Tumor predisposition. Identifiers: Orphanet 140162, MedGen C0027672, MeSH D009386, MONDO:0015356.

Allele frequency attached by ClinVar (database versions not stated): gnomAD exomes 0.00001 and 0.00004; TOPMed 0.00001; ESP Exome Variant Server 0.00008.
gnomAD v4.1: 60 of 1,598,174 alleles (0.0038%); highest among the groups gnomAD compares: East Asian, 0.12%; no homozygotes.

Submissions (8):

Labcorp Genetics (formerly Invitae), Labcorp
Classification: Likely benign. Last evaluated: 2025-11-18. Review status: criteria provided, single submitter. Criteria: Invitae Variant Classification Sherloc (09022015). Collection method: clinical testing. Allele origin: germline.

Myriad Genetics, Inc.
Classification: Benign for Colorectal cancer, susceptibility to, 12. Last evaluated: 2025-02-07. Review status: criteria provided, single submitter. Criteria: Myriad Autosomal Dominant, Autosomal Recessive and X-Linked Classification Criteria (2023). Collection method: clinical testing. Allele origin: unknown.
Comment: This variant is considered benign. This variant is a silent/synonymous amino acid change and it is not expected to impact splicing.

KCCC/NGS Laboratory, Kuwait Cancer Control Center
Classification: Benign for Colorectal cancer, susceptibility to, 12. Last evaluated: 2025-02-01. Review status: criteria provided, single submitter. Criteria: ACMG Guidelines, 2015. Collection method: clinical testing. Allele origin: germline. Affected: no.

Quest Diagnostics Nichols Institute San Juan Capistrano
Classification: Likely benign. Last evaluated: 2023-04-17. Review status: criteria provided, single submitter. Criteria: Quest Diagnostics criteria. Collection method: clinical testing. Allele origin: unknown.

Sema4
Classification: Likely benign for Hereditary cancer-predisposing syndrome. Last evaluated: 2021-06-23. Review status: criteria provided, single submitter. Criteria: Sema4 Curation Guidelines. Collection method: curation. Allele origin: germline.

Department of Pathology and Laboratory Medicine, Sinai Health System
Classification: Likely benign for Colorectal cancer, susceptibility to, 12; Facial dysmorphism-immunodeficiency-livedo-short stature syndrome; Intrauterine growth retardation, metaphyseal dysplasia, adrenal hypoplasia congenita, genital anomalies, and immunodeficiency. Last evaluated: 2021-01-20. Review status: criteria provided, single submitter. Criteria: ACMG Guidelines, 2015. Collection method: clinical testing. Allele origin: germline. Affected: no.

Ambry Genetics
Classification: Likely benign for Hereditary cancer-predisposing syndrome. Last evaluated: 2019-05-16. Review status: criteria provided, single submitter. Criteria: Ambry Variant Classification Scheme 2023. Collection method: clinical testing. Allele origin: germline.

GeneDx
Classification: Likely benign. Last evaluated: 2018-06-18. Review status: criteria provided, single submitter. Criteria: GeneDx Variant Classification Process June 2021. Collection method: clinical testing. Allele origin: germline. Affected: yes.

NM_006231.4(POLE):c.1014C>T (p.Pro338=)

Gene: POLE (DNA polymerase epsilon, catalytic subunit; minus strand). Cytogenetic location: 12q24.33.
Variant type: single nucleotide variant.
Coding change: c.1014C>T on transcript NM_006231.4 (MANE Select); coding-DNA position 1014, C replaced by T.
Protein change: p.Pro338=; no amino-acid change (proline 338 retained).
Molecular consequence: synonymous variant.
Genome position (GRCh38, 1-based): chr12:132,676,100, G>A on the plus strand (C>T on the coding strand, the complement: POLE is on the minus strand). VCF-style: chr12-132676100-G-A. GRCh37 (hg19) VCF-style: chr12-133252686-G-A.
Identifiers: ClinVar variation 383198 (VCV000383198.22), dbSNP rs143102561, ClinGen allele CA6894122.